The following is an entry in ClinVar:

NM_144628.4(TBC1D20):c.238G>A (p.Asp80Asn)

Gene: TBC1D20 (TBC1 domain family member 20; minus strand). Cytogenetic location: 20p13.
Variant type: single nucleotide variant.
Coding change: c.238G>A on transcript NM_144628.4 (MANE Select); coding-DNA position 238, G replaced by A.
Protein change: p.Asp80Asn; replaces aspartic acid 80 with asparagine.
Molecular consequence: missense variant. On other transcripts: non-coding transcript variant (1).
Genome position (GRCh38, 1-based): chr20:447,907, C>T on the plus strand (G>A on the coding strand, the complement: TBC1D20 is on the minus strand). VCF-style: chr20-447907-C-T. GRCh37 (hg19) VCF-style: chr20-428551-C-T.
Other names: short protein forms D80N.
Identifiers: ClinVar variation 1912933 (VCV001912933.5), dbSNP rs1295638254, ClinGen allele CA407949472.
Genomic context (GRCh38, chr20:447,907, plus strand): 5'-TCCTAGATAAGCTCCCCTCACAGCCTCCCCCACTCCCCTTACCTGATATAGGAGGTGGGT[C>T]ATTGGCATTGACATTGAGGAGCTTGGGCCACACTTTTCGTCTGATCTCATCAGTCAGGAG-3'
Protein context (NP_653229.1, residues 70-90): WPKLLNVNAN[Asp80Asn]PPPISGKNLR

ClinVar aggregate classification (germline): Uncertain significance (1 of 4 stars; one submission).

Allele frequency attached by ClinVar (database versions not stated): gnomAD exomes 0.00001; TOPMed 0.00002; gnomAD 0.00011.

Submission:

Labcorp Genetics (formerly Invitae), Labcorp
Classification: Uncertain significance. Last evaluated: 2022-05-20. Review status: criteria provided, single submitter. Criteria: Invitae Variant Classification Sherloc (09022015). Collection method: clinical testing. Allele origin: germline.
Comment: In summary, the available evidence is currently insufficient to determine the role of this variant in disease. Therefore, it has been classified as a Variant of Uncertain Significance. Algorithms developed to predict the effect of missense changes on protein structure and function (SIFT, PolyPhen-2, Align-GVGD) all suggest that this variant is likely to be tolerated. This variant has not been reported in the literature in individuals affected with TBC1D20-related conditions. This variant is present in population databases (no rsID available, gnomAD 0.01%). This sequence change replaces aspartic acid, which is acidic and polar, with asparagine, which is neutral and polar, at codon 80 of the TBC1D20 protein (p.Asp80Asn).